The following is an entry in ClinVar:

NM_153704.6(TMEM67):c.979-164T>C

Gene: TMEM67 (transmembrane protein 67; plus strand). Cytogenetic location: 8q22.1.
Variant type: single nucleotide variant.
Coding change: c.979-164T>C on transcript NM_153704.6 (MANE Select); 164 bases into the intron before coding-DNA position 979, T replaced by C.
Molecular consequence: intron variant.
Genome position (GRCh38, 1-based): chr8:93,781,494, T>C. VCF-style: chr8-93781494-T-C. GRCh37 (hg19) VCF-style: chr8-94793722-T-C.
Other names: c.736-164T>C (NM_001142301.1).
Identifiers: ClinVar variation 678960 (VCV000678960.1), dbSNP rs73694946, ClinGen allele CA181327335.

ClinVar aggregate classification (germline): Benign (1 of 4 stars; one submission).

Allele frequency attached by ClinVar (database versions not stated): gnomAD 0.01644 and 0.01761; 1000 Genomes Project 30x 0.01889; TOPMed 0.01890; 1000 Genomes Project 0.01897.
gnomAD v4.1: 2,476 of 151,596 alleles (1.6%); highest among the groups gnomAD compares: African/African-American, 5.5%; 72 homozygotes.

Submission:

GeneDx
Classification: Benign. Last evaluated: 2018-06-16. Review status: criteria provided, single submitter. Criteria: GeneDx Variant Classification (06012015). Collection method: clinical testing. Allele origin: germline. Affected: yes.
Comment: This variant is considered likely benign or benign based on one or more of the following criteria: it is a conservative change, it occurs at a poorly conserved position in the protein, it is predicted to be benign by multiple in silico algorithms, and/or has population frequency not consistent with disease.